The following is an entry in ClinVar:

ClinVar aggregate classification (germline): Pathogenic (1 of 4 stars; one submission).

Conditions:
Sandhoff disease. Also called: HEXOSAMINIDASES A AND B DEFICIENCY; Beta-hexosaminidase-beta-subunit deficiency; GM2 gangliosidosis, type 2; Total hexosaminidase deficiency; Sandhoff-Jatzkewitz-Pilz disease; GM2-GANGLIOSIDOSIS, TYPE II. Identifiers: Orphanet 796, MedGen C0036161, MONDO:0010006, OMIM 268800.

Submission:

Myriad Genetics, Inc.
Classification: Pathogenic for Sandhoff disease. Last evaluated: 2024-06-27. Review status: criteria provided, single submitter. Criteria: Myriad Autosomal Dominant, Autosomal Recessive and X-Linked Classification Criteria (2023). Collection method: clinical testing. Allele origin: unknown.
Comment: NM_000521.3(HEXB):c.949dupG(D317Gfs*25) is expected to be pathogenic in the context of Sandhoff disease. This variant is predicted to lead to an abnormal or absent protein product due to the creation of a premature termination codon in HEXB, a gene where loss-of-function variants are known to be pathogenic. Please note: this variant was assessed in the context of healthy population screening.

NM_000521.4(HEXB):c.949dup (p.Asp317fs)

Gene: HEXB (hexosaminidase subunit beta; plus strand). Cytogenetic location: 5q13.3.
Variant type: Duplication.
Coding change: c.949dup on transcript NM_000521.4 (MANE Select); coding-DNA position 949, one base duplicated (G; older notation c.949dupG).
Protein change: p.Asp317fs; shifts the reading frame from aspartic acid 317.
Molecular consequence: frameshift variant.
Genome position (GRCh38, 1-based): chr5:74,715,557, G duplicated; the last of 2 consecutive G bases (chr5:74,715,556-74,715,557); duplicating either gives the same sequence. VCF-style (leftmost placement, unchanged base first): chr5-74715555-T-TG. GRCh37 (hg19) VCF-style: chr5-74011380-T-TG.
Other names: c.274dup, p.Asp92fs (NM_001292004.2); short protein forms D317fs, D92fs.
Identifiers: ClinVar variation 5013246 (VCV005013246.1).
Genomic context (GRCh38, chr5:74,715,555, plus strand): 5'-AATATTTTCTTCTAGGTCAGAAAGACCTCCTGACTCCATGTTACAGTAGACAAAACAAGT[T>TG]GGACTCTTTTGGACCTATAAACCCTACTCTGAATACAACATACAGCTTCCTTACTACATT-3'